The following is an entry in ClinVar:

ClinVar aggregate classification (germline): Uncertain significance. Review status: criteria provided, multiple submitters, no conflicts (2 of 4 stars). 2 submissions from 2 submitters: Uncertain significance (2). Last evaluated 2025-07-04.

Allele frequency attached by ClinVar (database versions not stated): gnomAD 0.00001; TOPMed below 0.00001.

Submissions (2):

Dasa
Classification: Uncertain significance. Last evaluated: 2025-07-04. Review status: criteria provided, single submitter. Criteria: DASA Assertion Criteria. Collection method: clinical testing. Allele origin: germline.
Comment: NM_024496.4(IRF2BPL):c.208C>A (p.Pro70Thr) is a missense variant that results in the substitution of proline with threonine. This variant is rare in population databases. Computational prediction algorithms are consistent with a benign effect. The currently available literature and clinical evidence are not sufficient to establish a definitive association between this variant and the reported condition. Therefore, this variant is classified as a variant of uncertain significance.

GeneDx
Classification: Uncertain significance. Last evaluated: 2021-09-16. Review status: criteria provided, single submitter. Criteria: GeneDx Variant Classification Process June 2021. Collection method: clinical testing. Allele origin: germline. Affected: yes.
Comment: In silico analysis supports that this missense variant has a deleterious effect on protein structure/function; Has not been previously published as pathogenic or benign to our knowledge

NM_024496.4(IRF2BPL):c.208C>A (p.Pro70Thr)

Genes: IRF2BPL (interferon regulatory factor 2 binding protein like; minus strand), LOC107984638 (uncharacterized LOC107984638; plus strand). Cytogenetic location: 14q24.3.
Variant type: single nucleotide variant.
Coding change: c.208C>A on transcript NM_024496.4 (MANE Select); coding-DNA position 208, C replaced by A.
Protein change: p.Pro70Thr; replaces proline 70 with threonine.
Molecular consequence: missense variant.
Genome position (GRCh38, 1-based): chr14:77,027,585, G>T on the plus strand (C>A on the coding strand, the complement: IRF2BPL is on the minus strand). VCF-style: chr14-77027585-G-T. GRCh37 (hg19) VCF-style: chr14-77493928-G-T.
Other names: short protein forms P70T.
Identifiers: ClinVar variation 1344992 (VCV001344992.4), dbSNP rs900494621, ClinGen allele CA390500951.